The following is an entry in ClinVar:

ClinVar aggregate classification (germline): Conflicting classifications of pathogenicity. Review status: criteria provided, conflicting classifications (1 of 4 stars). 5 submissions from 4 submitters: Likely pathogenic (1); Uncertain significance (3). 1 of the submissions does not count toward it. Last evaluated 2024-05-22.

Conditions:
Maturity-onset diabetes of the young (MODY). Also called: Maturity onset diabetes mellitus in young. Identifiers: Orphanet 552, MedGen C0342276, MONDO:0018911, HP:0004904.
Hyperinsulinemic hypoglycemia, familial, 1 (HHF1). Also called: HYPERINSULINISM, FAMILIAL, WITH PANCREATIC NESIDIOBLASTOSIS; HYPOGLYCEMIA, HYPERINSULINEMIC, OF INFANCY; Persistent hyperinsulinemic hypoglycemia of infancy; NESIDIOBLASTOSIS OF PANCREAS; Persistent Hyperinsulinemia Hypoglycemia of Infancy. Identifiers: Orphanet 276575, Orphanet 276598, MedGen C2931832, MONDO:0009734, OMIM 256450.
Diabetes mellitus, transient neonatal, 2 (TNDM2). Identifiers: Orphanet 99886, MedGen C1835887, MONDO:0012480, OMIM 610374. Disease mechanism: loss of function.
Diabetes mellitus, permanent neonatal 3. Also called: ABCC8-Related Permanent Neonatal Diabetes Mellitus. Identifiers: MedGen C5394303, MONDO:0030088, OMIM 618857.
Leucine-induced hypoglycemia (LIH). Also called: LEUCINE-SENSITIVE HYPOGLYCEMIA OF INFANCY. Identifiers: MedGen C0271714, MONDO:0009415, OMIM 240800.
Type 2 diabetes mellitus. Also called: Type II diabetes mellitus. Identifiers: MedGen C0011860, MeSH D003924, MONDO:0005148, OMIM 125853, HP:0005978.
Transitory neonatal diabetes mellitus. Also called: Transient neonatal diabetes mellitus. Identifiers: MedGen C0342273, MONDO:0020525, HP:0008255.

Submissions (5):

Fulgent Genetics
Classification: Likely pathogenic for Type 2 diabetes mellitus; Leucine-induced hypoglycemia; Hyperinsulinemic hypoglycemia, familial, 1; Diabetes mellitus, transient neonatal, 2; Diabetes mellitus, permanent neonatal 3. Last evaluated: 2024-05-22. Review status: criteria provided, single submitter. Criteria: ACMG Guidelines, 2015. Collection method: clinical testing. Allele origin: germline.

Women's Health and Genetics/Laboratory Corporation of America, LabCorp
Classification: Uncertain significance. Last evaluated: 2024-05-14. Review status: criteria provided, single submitter. Criteria: LabCorp Variant Classification Summary - May 2015. Collection method: clinical testing. Allele origin: germline.
Comment: Variant summary: ABCC8 c.4349T>C (p.Leu1450Pro) results in a non-conservative amino acid change located in the ABC transporter-like, ATP-binding domain (IPR003439) of the encoded protein sequence. Five of five in-silico tools predict a damaging effect of the variant on protein function. The variant was absent in 227022 control chromosomes. c.4349T>C has been reported in the literature in at-least two individuals affected with Familial Hyperinsulinism (Fernandez-Marmiesse_2006, Martinez_2016). These data indicate that the variant may be associated with disease. To our knowledge, no experimental evidence demonstrating an impact on protein function has been reported. The following publications have been ascertained in the context of this evaluation (PMID: 16429405, 27188453). ClinVar contains an entry for this variant (Variation ID: 554619). Based on the evidence outlined above, the variant was classified as VUS-possibly pathogenic.

Clinical Genomics, Uppaluri K&H Personalized Medicine Clinic
Classification: Uncertain significance for Maturity-onset diabetes of the young. Review status: criteria provided, single submitter. Criteria: K & H Uppaluri Personalized Medicine Clinic Variant Classification & Assertion Criteria_Updated V.1. Collection method: research. Allele origin: somatic. Inheritance: Somatic mutation.
Comment: Mutations in ABCC8 gene are associated with both neonatal diabetes mellitus as well as MODY. Patients with this mutation may have a better response to sulfonylureas. However, no sufficient evidence is found to ascertain the role of this particular variant ( rs1554904565) in MODY yet.

Clinical Genomics, Uppaluri K&H Personalized Medicine Clinic
Classification: Uncertain significance for Transitory neonatal diabetes mellitus. Review status: criteria provided, single submitter. Criteria: K & H Uppaluri Personalized Medicine Clinic Variant Classification & Assertion Criteria_Updated V.1. Collection method: research. Allele origin: somatic. Inheritance: Somatic mutation.
Comment: Mutations in ABCC8 gene are associated with both neonatal diabetes mellitus as well as MODY. Patients with this mutation may have a better response to sulfonylureas. However, no sufficient evidence is found to ascertain the role of this particular variant ( rs1554904565 ) in neonatal diabetes yet.

Counsyl
Classification: Uncertain significance for Hyperinsulinemic hypoglycemia, familial, 1. Last evaluated: 2017-10-27. Review status: no assertion criteria provided. Collection method: clinical testing. Allele origin: unknown. Not counted in ClinVar's aggregate classification.

Literature cited by the submitters: PubMed 16429405 (cited by Women's Health and Genetics/Laboratory Corporation of America, LabCorp); PubMed 27188453 (cited by Women's Health and Genetics/Laboratory Corporation of America, LabCorp and Counsyl); PubMed 16885549 (cited by Clinical Genomics, Uppaluri K&H Personalized Medicine Clinic); PubMed 21989597 (cited by Clinical Genomics, Uppaluri K&H Personalized Medicine Clinic); PubMed 27538677 (cited by Clinical Genomics, Uppaluri K&H Personalized Medicine Clinic); PubMed 18981553 (cited by Clinical Genomics, Uppaluri K&H Personalized Medicine Clinic); PubMed 32027066 (cited by Clinical Genomics, Uppaluri K&H Personalized Medicine Clinic); PubMed 16613899 (cited by Clinical Genomics, Uppaluri K&H Personalized Medicine Clinic); PubMed 18025408 (cited by Clinical Genomics, Uppaluri K&H Personalized Medicine Clinic); PubMed 32792356 (cited by Clinical Genomics, Uppaluri K&H Personalized Medicine Clinic).

NM_000352.6(ABCC8):c.4349T>C (p.Leu1450Pro)

Gene: ABCC8 (ATP binding cassette subfamily C member 8; minus strand). Cytogenetic location: 11p15.1.
Variant type: single nucleotide variant.
Coding change: c.4349T>C on transcript NM_000352.6 (MANE Select); coding-DNA position 4349, T replaced by C.
Protein change: p.Leu1450Pro; replaces leucine 1450 with proline.
Molecular consequence: missense variant. On other transcripts: non-coding transcript variant (1).
Genome position (GRCh38, 1-based): chr11:17,395,234, A>G on the plus strand (T>C on the coding strand, the complement: ABCC8 is on the minus strand). VCF-style: chr11-17395234-A-G. GRCh37 (hg19) VCF-style: chr11-17416781-A-G.
Other names: c.4352T>C, p.Leu1451Pro (NM_001287174.3); c.4415T>C, p.Leu1472Pro (NM_001351295.2); c.4349T>C, p.Leu1450Pro (NM_001351296.2); c.4346T>C, p.Leu1449Pro (NM_001351297.2); short protein forms L1450P, L1451P, L1449P, L1472P.
Identifiers: ClinVar variation 554619 (VCV000554619.5), dbSNP rs1554904565, ClinGen allele CA379785565.